The following is an entry in ClinVar:

ClinVar aggregate classification (germline): Uncertain significance (1 of 4 stars; one submission).

Allele frequency attached by ClinVar (database versions not stated): gnomAD exomes 0.00001; gnomAD 0.00001; TOPMed 0.00004.
gnomAD v4.1: 3 of 1,610,338 alleles (0.00019%); highest among the groups gnomAD compares: African/African-American, 0.004%; no homozygotes.

Submission:

Labcorp Genetics (formerly Invitae), Labcorp
Classification: Uncertain significance. Last evaluated: 2022-10-18. Review status: criteria provided, single submitter. Criteria: Invitae Variant Classification Sherloc (09022015). Collection method: clinical testing. Allele origin: germline.
Comment: In summary, the available evidence is currently insufficient to determine the role of this variant in disease. Therefore, it has been classified as a Variant of Uncertain Significance. Algorithms developed to predict the effect of missense changes on protein structure and function (SIFT, PolyPhen-2, Align-GVGD) all suggest that this variant is likely to be tolerated. ClinVar contains an entry for this variant (Variation ID: 1353337). This variant has not been reported in the literature in individuals affected with MPDZ-related conditions. The frequency data for this variant in the population databases is considered unreliable, as metrics indicate poor data quality at this position in the gnomAD database. This sequence change replaces methionine, which is neutral and non-polar, with isoleucine, which is neutral and non-polar, at codon 923 of the MPDZ protein (p.Met923Ile).

NM_001378778.1(MPDZ):c.2769G>A (p.Met923Ile)

Gene: MPDZ (multiple PDZ domain crumbs cell polarity complex component; minus strand). Cytogenetic location: 9p23.
Variant type: single nucleotide variant.
Coding change: c.2769G>A on transcript NM_001378778.1 (MANE Select); coding-DNA position 2769, G replaced by A.
Protein change: p.Met923Ile; replaces methionine 923 with isoleucine.
Molecular consequence: missense variant.
Genome position (GRCh38, 1-based): chr9:13,176,298, C>T on the plus strand (G>A on the coding strand, the complement: MPDZ is on the minus strand). VCF-style: chr9-13176298-C-T. GRCh37 (hg19) VCF-style: chr9-13176297-C-T.
Other names: c.2769G>A, p.Met923Ile (NM_001261406.2, NM_001261407.2, NM_001330637.2 and 14 more transcripts); short protein forms M923I.
Identifiers: ClinVar variation 1353337 (VCV001353337.7), dbSNP rs1056680047, ClinGen allele CA189271113.